The following is an entry in ClinVar:

NM_018993.4(RIN2):c.589T>A (p.Ser197Thr)

Gene: RIN2 (Ras and Rab interactor 2; plus strand). Cytogenetic location: 20p11.23.
Variant type: single nucleotide variant.
Coding change: c.589T>A on transcript NM_018993.4 (MANE Select); coding-DNA position 589, T replaced by A.
Protein change: p.Ser197Thr; replaces serine 197 with threonine.
Molecular consequence: missense variant. On other transcripts: 5 prime UTR variant (1).
Genome position (GRCh38, 1-based): chr20:19,970,890, T>A. VCF-style: chr20-19970890-T-A. GRCh37 (hg19) VCF-style: chr20-19951534-T-A.
Other names: c.736T>A, p.Ser246Thr (NM_001242581.2); c.-30T>A (NM_001378238.1); short protein forms S197T, S246T.
Identifiers: ClinVar variation 257655 (VCV000257655.15), dbSNP rs3803981, ClinGen allele CA9779872.

ClinVar aggregate classification (germline): Benign. Review status: criteria provided, multiple submitters, no conflicts (2 of 4 stars). 7 submissions from 7 submitters: Benign (5). 2 of the submissions do not count toward it. Last evaluated 2026-02-04.

Allele frequency attached by ClinVar (database versions not stated): ESP Exome Variant Server 0.14863; gnomAD 0.15087 and 0.15165; gnomAD exomes 0.15248 and 0.15274; 1000 Genomes Project 30x 0.15584; TOPMed 0.15755; 1000 Genomes Project 0.15935; ExAC 0.15996.

Submissions (7):

Labcorp Genetics (formerly Invitae), Labcorp
Classification: Benign. Last evaluated: 2026-02-04. Review status: criteria provided, single submitter. Criteria: Invitae Variant Classification Sherloc (09022015). Collection method: clinical testing. Allele origin: germline.

Blueprint Genetics
Classification: Benign. Last evaluated: 2024-11-28. Review status: criteria provided, single submitter. Criteria: ACMG Guidelines, 2015. Collection method: clinical testing. Allele origin: germline.

GeneDx
Classification: Benign. Last evaluated: 2016-10-11. Review status: criteria provided, single submitter. Criteria: GeneDx Variant Classification (06012015). Collection method: clinical testing. Allele origin: germline. Affected: yes.
Comment: This variant is considered likely benign or benign based on one or more of the following criteria: it is a conservative change, it occurs at a poorly conserved position in the protein, it is predicted to be benign by multiple in silico algorithms, and/or has population frequency not consistent with disease.

Breakthrough Genomics
Classification: Benign. Review status: criteria provided, single submitter. Criteria: ACMG Guidelines, 2015. Collection method: not provided. Allele origin: germline. Inheritance: Autosomal recessive inheritance. Affected: yes.

PreventionGenetics, part of Exact Sciences
Classification: Benign. Review status: criteria provided, single submitter. Criteria: ACMG Guidelines, 2015. Collection method: clinical testing. Allele origin: germline.

Genome Diagnostics Laboratory, Amsterdam University Medical Center
Classification: Benign. Review status: no assertion criteria provided. Collection method: clinical testing. Allele origin: germline. Affected: yes. Study: VKGL Data-share Consensus. Not counted in ClinVar's aggregate classification.

Joint Genome Diagnostic Labs from Nijmegen and Maastricht, Radboudumc and MUMC+
Classification: Benign. Review status: no assertion criteria provided. Collection method: clinical testing. Allele origin: germline. Affected: yes. Study: VKGL Data-share Consensus. Not counted in ClinVar's aggregate classification.